The following is an entry in ClinVar:

NC_000011.9:g.(?_108178618)_(108236241_?)del

Gene: ATM (ATM serine/threonine kinase; plus strand). Cytogenetic location: 11q22.3.
Variant type: Deletion.
Identifiers: ClinVar variation 453342 (VCV000453342.1).

ClinVar aggregate classification (germline): Pathogenic (1 of 4 stars; one submission).

Conditions:
Ataxia-telangiectasia syndrome (AT). Also called: Cerebello-oculocutaneous telangiectasia; Immunodeficiency with ataxia telangiectasia; Ataxia-telangiectasia, complementation group D; AT, COMPLEMENTATION GROUP C; Ataxia-telangiectasia, complementation group E; LOUIS-BAR SYNDROME. Identifiers: Orphanet 100, MedGen C0004135, MONDO:0008840, OMIM 208900.

Submission:

Labcorp Genetics (formerly Invitae), Labcorp
Classification: Pathogenic for Ataxia-telangiectasia syndrome. Last evaluated: 2017-06-13. Review status: criteria provided, single submitter. Criteria: Invitae Variant Classification Sherloc (09022015). Collection method: clinical testing. Allele origin: germline.
Comment: This variant is a gross deletion of the genomic region encompassing exons 38-63 of the ATM gene. The 5' boundary is likely confined to intron 37. The 3' end of this event is unknown as it extends through the termination codon beyond the assayed region for this gene and may encompass additional genes. While this deletion may not result in nonsense mediated decay, it is expected to create a truncated protein product or disrupt mRNA translation. While this particular variant has not been reported in the literature, gross deletions and loss-of-function variants in ATM are known to be pathogenic (PMID: 25614872, 23807571). This gross deletion eliminates the last 1,165 amino acid residues of the ATM protein, including the FAT, PI3/4 kinase, and FATC or PIK-related kinase domains, which are crucial for the proper function of the ATM protein (PMID: 23532176, 25460276, 19781682). In addition, a deletion encompassing exons 62-63 and the 3' UTR of ATM has been reported in individuals with ataxia-telangiectasia, and determined to be pathogenic (PMID: 9443866, 25614872). For these reasons, this variant has been classified as Pathogenic.